The following is an entry in ClinVar:

NM_001256071.3(RNF213):c.12097C>T (p.Pro4033Ser)

Genes: RNF213 (ring finger protein 213; plus strand), RNF213-AS1 (RNF213 antisense RNA 1; minus strand). Cytogenetic location: 17q25.3.
Variant type: single nucleotide variant.
Coding change: c.12097C>T on transcript NM_001256071.3 (MANE Select); coding-DNA position 12097, C replaced by T.
Protein change: p.Pro4033Ser; replaces proline 4033 with serine.
Molecular consequence: missense variant.
Genome position (GRCh38, 1-based): chr17:80,368,085, C>T. VCF-style: chr17-80368085-C-T. GRCh37 (hg19) VCF-style: chr17-78341885-C-T.
Other names: c.12244C>T, p.Pro4082Ser (NM_001410195.1, NM_020914.5); short protein forms P4082S, P4033S.
Identifiers: ClinVar variation 4747386 (VCV004747386.1).

ClinVar aggregate classification (germline): Uncertain significance (1 of 4 stars; one submission).

Submission:

Labcorp Genetics (formerly Invitae), Labcorp
Classification: Uncertain significance. Last evaluated: 2025-05-26. Review status: criteria provided, single submitter. Criteria: Invitae Variant Classification Sherloc (09022015). Collection method: clinical testing. Allele origin: germline.
Comment: This sequence change replaces proline, which is neutral and non-polar, with serine, which is neutral and polar, at codon 4033 of the RNF213 protein (p.Pro4033Ser). This variant is not present in population databases (gnomAD no frequency). This missense change has been observed in individual(s) with clinical features of Moyamoya disease (internal data). Invitae Evidence Modeling of protein sequence and biophysical properties (such as structural, functional, and spatial information, amino acid conservation, physicochemical variation, residue mobility, and thermodynamic stability) has been performed for this missense variant. However, the output from this modeling did not meet the statistical confidence thresholds required to predict the impact of this variant on RNF213 protein function. This variant disrupts the p.Pro4033 amino acid residue in RNF213. Other variant(s) that disrupt this residue have been observed in individuals with RNF213-related conditions (PMID: 30908154), which suggests that this may be a clinically significant amino acid residue. In summary, the available evidence is currently insufficient to determine the role of this variant in disease. Therefore, it has been classified as a Variant of Uncertain Significance.

Literature cited by the submitters: PubMed 30908154.